The following is an entry in ClinVar:

NM_004360.5(CDH1):c.328T>C (p.Phe110Leu)

Gene: CDH1 (cadherin 1; plus strand). Cytogenetic location: 16q22.1.
Variant type: single nucleotide variant.
Coding change: c.328T>C on transcript NM_004360.5 (MANE Select); coding-DNA position 328, T replaced by C.
Protein change: p.Phe110Leu; replaces phenylalanine 110 with leucine.
Molecular consequence: missense variant. On other transcripts: 5 prime UTR variant (2).
Genome position (GRCh38, 1-based): chr16:68,801,834, T>C. VCF-style: chr16-68801834-T-C. GRCh37 (hg19) VCF-style: chr16-68835737-T-C.
Other names: c.328T>C, p.Phe110Leu (NM_001317184.2); c.-1288T>C (NM_001317185.2); c.-1492T>C (NM_001317186.2); short protein forms F110L.
Identifiers: ClinVar variation 948093 (VCV000948093.12), dbSNP rs1960519396, ClinGen allele CA396457397.
Genomic context (GRCh38, chr16:68,801,834, plus strand): 5'-CGGTTTCATAACCCACAGATCCATTTCTTGGTCTACGCCTGGGACTCCACCTACAGAAAG[T>C]TTTCCACCAAAGTCACGCTGAATACAGTGGGGCACCACCACCGCCCCCCGCCCCATCAGG-3'
Protein context (NP_004351.1, residues 100-120): VYAWDSTYRK[Phe110Leu]STKVTLNTVG

ClinVar aggregate classification (germline): Conflicting classifications of pathogenicity. Review status: criteria provided, conflicting classifications (1 of 4 stars). 2 submissions from 2 submitters: Uncertain significance (1); Likely benign (1). Last evaluated 2023-10-09.

Conditions:
Hereditary cancer-predisposing syndrome. Also called: Neoplastic Syndromes, Hereditary; Hereditary neoplastic syndrome; Hereditary Cancer Syndrome; Tumor predisposition. Identifiers: Orphanet 140162, MedGen C0027672, MeSH D009386, MONDO:0015356.
Hereditary diffuse gastric adenocarcinoma (HDGC). Also called: DIFFUSE GASTRIC AND LOBULAR BREAST CANCER SYNDROME. Identifiers: Orphanet 26106, MedGen C1708349, MONDO:0007648, OMIM 137215.

Submissions (2):

Labcorp Genetics (formerly Invitae), Labcorp
Classification: Uncertain significance for Hereditary diffuse gastric adenocarcinoma. Last evaluated: 2023-10-09. Review status: criteria provided, single submitter. Criteria: Invitae Variant Classification Sherloc (09022015). Collection method: clinical testing. Allele origin: germline.
Comment: This sequence change replaces phenylalanine, which is neutral and non-polar, with leucine, which is neutral and non-polar, at codon 110 of the CDH1 protein (p.Phe110Leu). This variant is not present in population databases (gnomAD no frequency). This variant has not been reported in the literature in individuals affected with CDH1-related conditions. ClinVar contains an entry for this variant (Variation ID: 948093). Algorithms developed to predict the effect of missense changes on protein structure and function output the following: SIFT: "Not Available"; PolyPhen-2: "Benign"; Align-GVGD: "Not Available". The leucine amino acid residue is found in multiple mammalian species, which suggests that this missense change does not adversely affect protein function. In summary, the available evidence is currently insufficient to determine the role of this variant in disease. Therefore, it has been classified as a Variant of Uncertain Significance.

Ambry Genetics
Classification: Likely benign for Hereditary cancer-predisposing syndrome. Last evaluated: 2022-03-03. Review status: criteria provided, single submitter. Criteria: Ambry Variant Classification Scheme 2023. Collection method: clinical testing. Allele origin: germline.